The following is an entry in ClinVar:

ClinVar aggregate classification (germline): Uncertain significance (1 of 4 stars; one submission).

Conditions:
Hereditary sensory and autonomic neuropathy type 6. Also called: HSAN VI; Neuropathy, hereditary sensory and autonomic, type VI. Identifiers: Orphanet 314381, MedGen C3539003, MONDO:0013839, OMIM 614653.
Epidermolysis bullosa simplex 3, localized or generalized intermediate, with BP230 deficiency (EBS3). Also called: Epidermolysis bullosa simplex due to BP230 deficiency; Epidermolysis bullosa simplex, autosomal recessive 2. Identifiers: Orphanet 412181, MedGen C3809470, MONDO:0014180, OMIM 615425.

Submission:

Labcorp Genetics (formerly Invitae), Labcorp
Classification: Uncertain significance for Epidermolysis bullosa simplex 3, localized or generalized intermediate, with BP230 deficiency; Hereditary sensory and autonomic neuropathy type 6. Last evaluated: 2023-11-13. Review status: criteria provided, single submitter. Criteria: Invitae Variant Classification Sherloc (09022015). Collection method: clinical testing. Allele origin: germline.
Comment: This sequence change replaces leucine, which is neutral and non-polar, with valine, which is neutral and non-polar, at codon 790 of the DST protein (p.Leu790Val). This variant is not present in population databases (gnomAD no frequency). This variant has not been reported in the literature in individuals affected with DST-related conditions. ClinVar contains an entry for this variant (Variation ID: 654542). An algorithm developed to predict the effect of missense changes on protein structure and function (PolyPhen-2) suggests that this variant is likely to be disruptive. In summary, the available evidence is currently insufficient to determine the role of this variant in disease. Therefore, it has been classified as a Variant of Uncertain Significance.

NM_001374736.1(DST):c.3979C>G (p.Leu1327Val)

Gene: DST (dystonin; minus strand). Cytogenetic location: 6p12.1.
Variant type: single nucleotide variant.
Coding change: c.3979C>G on transcript NM_001374736.1 (MANE Select); coding-DNA position 3979, C replaced by G.
Protein change: p.Leu1327Val; replaces leucine 1327 with valine.
Molecular consequence: missense variant.
Genome position (GRCh38, 1-based): chr6:56,631,374, G>C on the plus strand (C>G on the coding strand, the complement: DST is on the minus strand). VCF-style: chr6-56631374-G-C. GRCh37 (hg19) VCF-style: chr6-56496172-G-C.
Other names: c.3880C>G, p.Leu1294Val (NM_001144769.5); c.3466C>G, p.Leu1156Val (NM_001144770.2); c.3979C>G, p.Leu1327Val (NM_001374722.1); c.3346C>G, p.Leu1116Val (NM_001374729.1, NM_001374730.1, NM_001386100.1 and 1 more transcripts); c.4006C>G, p.Leu1336Val (NM_001374734.1); c.2368C>G, p.Leu790Val (NM_001723.7, NM_015548.5); short protein forms L1116V, L1294V, L790V, L1156V, L1327V, L1336V.
Identifiers: ClinVar variation 654542 (VCV000654542.9), dbSNP rs1587203586, ClinGen allele CA364574690.